The following is an entry in ClinVar:

ClinVar aggregate classification (germline): Likely benign (1 of 4 stars; one submission).

gnomAD v4.1: 184 of 1,609,960 alleles (0.011%); highest among the groups gnomAD compares: Middle Eastern, 0.17%; no homozygotes.

Submission:

CeGaT Center for Human Genetics Tuebingen
Classification: Likely benign. Last evaluated: 2024-12-01. Review status: criteria provided, single submitter. Criteria: CeGaT Center For Human Genetics Tuebingen Variant Classification Criteria Version 2. Collection method: clinical testing. Allele origin: germline. Affected: yes. Observed: 1 variant allele.
Comment: COPB1: BP4, BP7

NM_001144061.2(COPB1):c.21A>G (p.Val7=)

Gene: COPB1 (coat protein complex I subunit beta 1; minus strand). Cytogenetic location: 11p15.2.
Variant type: single nucleotide variant.
Coding change: c.21A>G on transcript NM_001144061.2 (MANE Select); coding-DNA position 21, A replaced by G.
Protein change: p.Val7=; no amino-acid change (valine 7 retained).
Molecular consequence: synonymous variant.
Genome position (GRCh38, 1-based): chr11:14,498,908, T>C on the plus strand (A>G on the coding strand, the complement: COPB1 is on the minus strand). VCF-style: chr11-14498908-T-C. GRCh37 (hg19) VCF-style: chr11-14520454-T-C.
Other names: c.21A>G, p.Val7= (NM_001144062.2, NM_016451.5).
Identifiers: ClinVar variation 3770937 (VCV003770937.13).